The following is an entry in ClinVar:

NM_001100.4(ACTA1):c.937G>C (p.Asp313His)

Gene: ACTA1 (actin alpha 1, skeletal muscle; minus strand). Cytogenetic location: 1q42.13.
Variant type: single nucleotide variant.
Coding change: c.937G>C on transcript NM_001100.4 (MANE Select); coding-DNA position 937, G replaced by C.
Protein change: p.Asp313His; replaces aspartic acid 313 with histidine.
Molecular consequence: missense variant.
Genome position (GRCh38, 1-based): chr1:229,431,774, C>G on the plus strand (G>C on the coding strand, the complement: ACTA1 is on the minus strand). VCF-style: chr1-229431774-C-G. GRCh37 (hg19) VCF-style: chr1-229567521-C-G.
Other names: short protein forms D313H.
Identifiers: ClinVar variation 3660252 (VCV003660252.2).
Genomic context (GRCh38, chr1:229,431,774, plus strand): 5'-CACCCACCTTGATCTTCATGGTGCTGGGTGCCAGCGCGGTGATCTCTTTCTGCATGCGGT[C>G]AGCGATCCCAGGGTACATCGTGGTGCCCCCCGACATGACGTTGTTGGCATACAGGTCCTT-3'
Protein context (NP_001091.1, residues 303-323): GGTTMYPGIA[Asp313His]RMQKEITALA

ClinVar aggregate classification (germline): Uncertain significance (1 of 4 stars; one submission).

Conditions:
Actin accumulation myopathy (CMYO2A). Also called: Myopathy, actin, congenital, with cores; Nemaline myopathy 3, with intranuclear rods; CONGENITAL MYOPATHY 2A, TYPICAL, AUTOSOMAL DOMINANT; Nemaline myopathy type 3; Myopathy, actin, congenital, with excess of thin myofilaments. Identifiers: Orphanet 98904, MedGen C3711389, MONDO:0008070, OMIM 161800.

Submission:

Labcorp Genetics (formerly Invitae), Labcorp
Classification: Uncertain significance for Actin accumulation myopathy. Last evaluated: 2024-07-23. Review status: criteria provided, single submitter. Criteria: Invitae Variant Classification Sherloc (09022015). Collection method: clinical testing. Allele origin: germline.
Comment: This sequence change replaces aspartic acid, which is acidic and polar, with histidine, which is basic and polar, at codon 313 of the ACTA1 protein (p.Asp313His). This variant is not present in population databases (gnomAD no frequency). This variant has not been reported in the literature in individuals affected with ACTA1-related conditions. Advanced modeling of protein sequence and biophysical properties (such as structural, functional, and spatial information, amino acid conservation, physicochemical variation, residue mobility, and thermodynamic stability) performed at Invitae indicates that this missense variant is not expected to disrupt ACTA1 protein function with a negative predictive value of 80%. In summary, the available evidence is currently insufficient to determine the role of this variant in disease. Therefore, it has been classified as a Variant of Uncertain Significance.